The following is an entry in ClinVar:

ClinVar aggregate classification (germline): Uncertain significance (1 of 4 stars; one submission).

Conditions:
Inborn genetic diseases. Identifiers: MedGen C0950123, MeSH D030342.

Submission:

Ambry Genetics
Classification: Uncertain significance for Inborn genetic diseases. Last evaluated: 2026-03-26. Review status: criteria provided, single submitter. Criteria: Ambry Variant Classification Scheme 2023. Collection method: clinical testing. Allele origin: germline.
Comment: The p.F287V variant (also known as c.859T>G), located in coding exon 3 of the SH2B3 gene, results from a T to G substitution at nucleotide position 859. The phenylalanine at codon 287 is replaced by valine, an amino acid with highly similar properties. This amino acid position is conserved. In addition, the in silico prediction for this alteration is inconclusive. Based on the available evidence, the clinical significance of this variant remains unclear.

NM_005475.3(SH2B3):c.859T>G (p.Phe287Val)

Gene: SH2B3 (SH2B adaptor protein 3; plus strand). Cytogenetic location: 12q24.12.
Variant type: single nucleotide variant.
Coding change: c.859T>G on transcript NM_005475.3 (MANE Select); coding-DNA position 859, T replaced by G.
Protein change: p.Phe287Val; replaces phenylalanine 287 with valine.
Molecular consequence: missense variant.
Genome position (GRCh38, 1-based): chr12:111,446,966, T>G. VCF-style: chr12-111446966-T-G. GRCh37 (hg19) VCF-style: chr12-111884770-T-G.
Other names: c.253T>G, p.Phe85Val (NM_001291424.1); short protein forms F287V, F85V.
Identifiers: ClinVar variation 4864395 (VCV004864395.1).
Genomic context (GRCh38, chr12:111,446,966, plus strand): 5'-CAGCAGACCCAACCCTGTTCCCTTCCTCCCTGCCAGGTGAAGGACCGGACAGACATCATC[T>G]TTGAGGTGGGAGACGAGCAGCAGCTGAATTCATGGATGGCTGAGCTCTCGGAGTGCACAG-3'
Protein context (NP_005466.1, residues 277-297): LKVKDRTDII[Phe287Val]EVGDEQQLNS